The following is an entry in ClinVar:

ClinVar aggregate classification (germline): Uncertain significance (1 of 4 stars; one submission).

Conditions:
RYR1-related disorder. Also called: RYR1-related condition; RYR1-related disorders. Identifiers: MedGen CN239331.

gnomAD v4.1: 3 of 1,478,382 alleles (0.0002%); highest among the groups gnomAD compares: East Asian, 0.0058%; no homozygotes.

Submission:

Labcorp Genetics (formerly Invitae), Labcorp
Classification: Uncertain significance for RYR1-related disorder. Last evaluated: 2025-09-15. Review status: criteria provided, single submitter. Criteria: Invitae Variant Classification Sherloc (09022015). Collection method: clinical testing. Allele origin: germline.
Comment: This sequence change replaces glutamic acid, which is acidic and polar, with lysine, which is basic and polar, at codon 4410 of the RYR1 protein (p.Glu4410Lys). This variant is present in population databases (no rsID available, gnomAD 0.01%). This variant has not been reported in the literature in individuals affected with RYR1-related conditions. Invitae Evidence Modeling of protein sequence and biophysical properties (such as structural, functional, and spatial information, amino acid conservation, physicochemical variation, residue mobility, and thermodynamic stability) indicates that this missense variant is not expected to disrupt RYR1 protein function with a negative predictive value of 80%. In summary, the available evidence is currently insufficient to determine the role of this variant in disease. Therefore, it has been classified as a Variant of Uncertain Significance.

NM_000540.3(RYR1):c.13228G>A (p.Glu4410Lys)

Gene: RYR1 (ryanodine receptor 1; plus strand). Cytogenetic location: 19q13.2.
Variant type: single nucleotide variant.
Coding change: c.13228G>A on transcript NM_000540.3 (MANE Select); coding-DNA position 13228, G replaced by A.
Protein change: p.Glu4410Lys; replaces glutamic acid 4410 with lysine.
Molecular consequence: missense variant.
Genome position (GRCh38, 1-based): chr19:38,565,562, G>A. VCF-style: chr19-38565562-G-A. GRCh37 (hg19) VCF-style: chr19-39056202-G-A.
Other names: c.13213G>A, p.Glu4405Lys (NM_001042723.2); short protein forms E4410K, E4405K.
Identifiers: ClinVar variation 4745271 (VCV004745271.1).